The following is an entry in ClinVar:

NM_001103.4(ACTN2):c.1975-5C>T

Gene: ACTN2 (actinin alpha 2; plus strand). Cytogenetic location: 1q43.
Variant type: single nucleotide variant.
Coding change: c.1975-5C>T on transcript NM_001103.4 (MANE Select); 5 bases into the intron before coding-DNA position 1975, C replaced by T.
Molecular consequence: intron variant.
Genome position (GRCh38, 1-based): chr1:236,755,014, C>T. VCF-style: chr1-236755014-C-T. GRCh37 (hg19) VCF-style: chr1-236918314-C-T.
Other names: c.1351-5C>T (NM_001278344.2); c.1975-5C>T (NM_001278343.2).
Identifiers: ClinVar variation 1783689 (VCV001783689.5), dbSNP rs369148572, ClinGen allele CA1013680358.
Genomic context (GRCh38, chr1:236,755,014, plus strand): 5'-GCCGAGCTCCCTTAGAGGGCACTTCACTCTGCTTCTCTCTCTGCTTGCTCACTCGCCCCC[C>T]TCAGGAGATTGCCCGGAGCTCCATCCAGATCACAGGAGCCCTGGAAGACCAGATGAACCA-3'

ClinVar aggregate classification (germline): Conflicting classifications of pathogenicity. Review status: criteria provided, conflicting classifications (1 of 4 stars). 2 submissions from 2 submitters: Uncertain significance (1); Likely benign (1). Last evaluated 2026-01-14.

Conditions:
Cardiovascular phenotype. Identifiers: MedGen CN230736.
Dilated cardiomyopathy 1AA (CMD1AA). Also called: Cardiomyopathy, dilated, 1AA, with or without LVNC; CARDIOMYOPATHY, DILATED, 1AA, WITH OR WITHOUT LEFT VENTRICULAR NONCOMPACTION; CARDIOMYOPATHY, FAMILIAL HYPERTROPHIC, 23, WITH OR WITHOUT LEFT VENTRICULAR NONCOMPACTION. Identifiers: Orphanet 154, MedGen C2677338, MONDO:0012808, OMIM 612158.
Primary familial hypertrophic cardiomyopathy (HCM). Identifiers: Orphanet 99739, MedGen C0949658, MeSH D024741, MONDO:0024573. Inheritance: Various modes of inheritance.

gnomAD v4.1: 2 of 1,614,080 alleles (0.00012%); highest among the groups gnomAD compares: Admixed American, 0.0033%; no homozygotes.

Submissions (2):

Labcorp Genetics (formerly Invitae), Labcorp
Classification: Likely benign for Primary familial hypertrophic cardiomyopathy; Dilated cardiomyopathy 1AA. Last evaluated: 2026-01-14. Review status: criteria provided, single submitter. Criteria: Invitae Variant Classification Sherloc (09022015). Collection method: clinical testing. Allele origin: germline.

Ambry Genetics
Classification: Uncertain significance for Cardiovascular phenotype. Last evaluated: 2021-09-23. Review status: criteria provided, single submitter. Criteria: Ambry Variant Classification Scheme 2023. Collection method: clinical testing. Allele origin: germline.
Comment: The c.1975-5C>T intronic variant results from a C to T substitution 5 nucleotides upstream from coding exon 17 in the ACTN2 gene. This nucleotide position is poorly conserved in available vertebrate species. In silico splice site analysis predicts that this alteration will not have any significant effect on splicing. Since supporting evidence is limited at this time, the clinical significance of this alteration remains unclear.